The following is an entry in ClinVar:

ClinVar aggregate classification (germline): Uncertain significance (1 of 4 stars; one submission).

Allele frequency attached by ClinVar (database versions not stated): gnomAD exomes 0.00001.
gnomAD v4.1: 5 of 1,607,470 alleles (0.00031%); highest among the groups gnomAD compares: Non-Finnish European, 0.00043%; no homozygotes.

Submission:

Labcorp Genetics (formerly Invitae), Labcorp
Classification: Uncertain significance. Last evaluated: 2022-04-08. Review status: criteria provided, single submitter. Criteria: Invitae Variant Classification Sherloc (09022015). Collection method: clinical testing. Allele origin: germline.
Comment: This sequence change creates a premature translational stop signal (p.Leu444*) in the GEN1 gene. It is expected to result in an absent or disrupted protein product. However, the current clinical and genetic evidence is not sufficient to establish whether loss-of-function variants in GEN1 cause disease. This variant is not present in population databases (gnomAD no frequency). This variant has not been reported in the literature in individuals affected with GEN1-related conditions. In summary, the available evidence is currently insufficient to determine the role of this variant in disease. Therefore, it has been classified as a Variant of Uncertain Significance.

NM_001130009.3(GEN1):c.1331T>A (p.Leu444Ter)

Gene: GEN1 (GEN1 structure-specific endonuclease; plus strand). Cytogenetic location: 2p24.2.
Variant type: single nucleotide variant.
Coding change: c.1331T>A on transcript NM_001130009.3 (MANE Select); coding-DNA position 1331, T replaced by A.
Protein change: p.Leu444Ter; replaces leucine 444 with a stop codon.
Molecular consequence: nonsense.
Genome position (GRCh38, 1-based): chr2:17,780,044, T>A. VCF-style: chr2-17780044-T-A. GRCh37 (hg19) VCF-style: chr2-17961311-T-A.
Other names: c.1331T>A, p.Leu444Ter (NM_182625.5); short protein forms L444*.
Identifiers: ClinVar variation 2188360 (VCV002188360.4), dbSNP rs2545623351, ClinGen allele CA345923817.